The following is an entry in ClinVar:

ClinVar aggregate classification (germline): Uncertain significance. Review status: criteria provided, multiple submitters, no conflicts (2 of 4 stars). 4 submissions from 4 submitters: Uncertain significance (4). Last evaluated 2025-02-05.

Conditions:
Emery-Dreifuss muscular dystrophy 4, autosomal dominant (EDMD4). Also called: EMERY-DREIFUSS MUSCULAR DYSTROPHY 4 WITH VARIABLE FEATURES. Identifiers: Orphanet 261, MedGen C2751807, MONDO:0013071, OMIM 612998.
Autosomal recessive ataxia, Beauce type. Also called: Spinocerebellar ataxia, autosomal recessive 8; ATAXIA, RECESSIVE, OF BEAUCE; SYNE1 Deficiency; SYNE1-Related Autosomal Recessive Cerebellar Ataxia. Identifiers: Orphanet 88644, MedGen C1853116, MONDO:0012549, OMIM 610743.

Allele frequency attached by ClinVar (database versions not stated): ExAC 0.00002; gnomAD exomes 0.00002 and 0.00001; 1000 Genomes Project 30x 0.00016; TOPMed 0.00001; 1000 Genomes Project 0.00020.
gnomAD v4.1: 14 of 1,606,652 alleles (0.00087%); highest among the groups gnomAD compares: Non-Finnish European, 0.0012%; no homozygotes.

Submissions (4):

Athena Diagnostics
Classification: Uncertain significance. Last evaluated: 2025-02-05. Review status: criteria provided, single submitter. Criteria: Athena Diagnostics Criteria. Collection method: clinical testing. Allele origin: unknown.
Comment: Available data are insufficient to determine the clinical significance of the variant at this time. The frequency of this variant in the general population is uninformative in assessment of its pathogenicity. Polyphen and MutationTaster predict this amino acid change may be benign.

Labcorp Genetics (formerly Invitae), Labcorp
Classification: Uncertain significance for Emery-Dreifuss muscular dystrophy 4, autosomal dominant; Autosomal recessive ataxia, Beauce type. Last evaluated: 2022-08-22. Review status: criteria provided, single submitter. Criteria: Invitae Variant Classification Sherloc (09022015). Collection method: clinical testing. Allele origin: germline.
Comment: This sequence change replaces isoleucine, which is neutral and non-polar, with valine, which is neutral and non-polar, at codon 6870 of the SYNE1 protein (p.Ile6870Val). This variant is present in population databases (rs191912037, gnomAD 0.002%). This variant has not been reported in the literature in individuals affected with SYNE1-related conditions. ClinVar contains an entry for this variant (Variation ID: 1033000). Algorithms developed to predict the effect of missense changes on protein structure and function output the following: SIFT: "Tolerated"; PolyPhen-2: "Benign"; Align-GVGD: "Class C0". The valine amino acid residue is found in multiple mammalian species, which suggests that this missense change does not adversely affect protein function. Algorithms developed to predict the effect of sequence changes on RNA splicing suggest that this variant may create or strengthen a splice site. In summary, the available evidence is currently insufficient to determine the role of this variant in disease. Therefore, it has been classified as a Variant of Uncertain Significance.

Revvity Omics, Revvity
Classification: Uncertain significance. Last evaluated: 2019-04-30. Review status: criteria provided, single submitter. Criteria: ACMG Guidelines, 2015. Collection method: clinical testing. Allele origin: germline.

Baylor Genetics
Classification: Uncertain significance for Emery-Dreifuss muscular dystrophy 4, autosomal dominant. Last evaluated: 2018-09-25. Review status: criteria provided, single submitter. Criteria: ACMG Guidelines, 2015. Collection method: clinical testing. Allele origin: maternal. Affected: yes.
Comment: This variant was determined to be of uncertain significance according to ACMG Guidelines, 2015 [PMID:25741868].

NM_182961.4(SYNE1):c.20821A>G (p.Ile6941Val)

Gene: SYNE1 (spectrin repeat containing nuclear envelope protein 1; minus strand). Cytogenetic location: 6q25.2.
Variant type: single nucleotide variant.
Coding change: c.20821A>G on transcript NM_182961.4 (MANE Select); coding-DNA position 20821, A replaced by G.
Protein change: p.Ile6941Val; replaces isoleucine 6941 with valine.
Molecular consequence: missense variant.
Genome position (GRCh38, 1-based): chr6:152,232,157, T>C on the plus strand (A>G on the coding strand, the complement: SYNE1 is on the minus strand). VCF-style: chr6-152232157-T-C. GRCh37 (hg19) VCF-style: chr6-152553292-T-C.
Other names: c.20608A>G, p.Ile6870Val (NM_033071.5); c.20821A>G (NM_182961.2); short protein forms I6941V, I6870V.
Identifiers: ClinVar variation 1033000 (VCV001033000.7), dbSNP rs191912037, ClinGen allele CA4054324.